The following is an entry in ClinVar:

ClinVar aggregate classification (germline): Uncertain significance (1 of 4 stars; one submission).

Conditions:
Duchenne muscular dystrophy (DMD). Also called: MUSCULAR DYSTROPHY, PSEUDOHYPERTROPHIC PROGRESSIVE, DUCHENNE TYPE; Duchenne Muscular Dystrophy (DMD). Identifiers: Orphanet 98896, MedGen C0013264, MONDO:0010679, OMIM 310200.

gnomAD v4.1: 1 of 1,210,719 alleles (0.000083%); highest among the groups gnomAD compares: Non-Finnish European, 0.00011%; no homozygotes.

Submission:

Labcorp Genetics (formerly Invitae), Labcorp
Classification: Uncertain significance for Duchenne muscular dystrophy. Last evaluated: 2025-01-30. Review status: criteria provided, single submitter. Criteria: Invitae Variant Classification Sherloc (09022015). Collection method: clinical testing. Allele origin: germline.
Comment: This sequence change replaces serine, which is neutral and polar, with threonine, which is neutral and polar, at codon 3613 of the DMD protein (p.Ser3613Thr). This variant is not present in population databases (gnomAD no frequency). This variant has not been reported in the literature in individuals affected with DMD-related conditions. Invitae Evidence Modeling of protein sequence and biophysical properties (such as structural, functional, and spatial information, amino acid conservation, physicochemical variation, residue mobility, and thermodynamic stability) indicates that this missense variant is not expected to disrupt DMD protein function with a negative predictive value of 95%. In summary, the available evidence is currently insufficient to determine the role of this variant in disease. Therefore, it has been classified as a Variant of Uncertain Significance.

NM_004006.3(DMD):c.10837T>A (p.Ser3613Thr)

Gene: DMD (dystrophin; minus strand). Cytogenetic location: Xp21.2.
Variant type: single nucleotide variant.
Coding change: c.10837T>A on transcript NM_004006.3 (MANE Select); coding-DNA position 10837, T replaced by A.
Protein change: p.Ser3613Thr; replaces serine 3613 with threonine.
Molecular consequence: missense variant.
Genome position (GRCh38, 1-based): chrX:31,146,375, A>T on the plus strand (T>A on the coding strand, the complement: DMD is on the minus strand). VCF-style: chrX-31146375-A-T. GRCh37 (hg19) VCF-style: chrX-31164492-A-T.
Other names: c.10813T>A, p.Ser3605Thr (NM_000109.4); c.10825T>A, p.Ser3609Thr (NM_004009.3); c.10468T>A, p.Ser3490Thr (NM_004010.3); c.6814T>A, p.Ser2272Thr (NM_004011.4); c.6805T>A, p.Ser2269Thr (NM_004012.4); c.3457T>A, p.Ser1153Thr (NM_004013.3, NM_004021.3); c.2650T>A, p.Ser884Thr (NM_004014.3); c.1633T>A, p.Ser545Thr (NM_004015.3, NM_004016.3); and 3 more; short protein forms S1043T, S3605T, S3609T, S884T, S532T, S2269T, S3613T, S1140T.
Identifiers: ClinVar variation 3707968 (VCV003707968.2).